The following is an entry in ClinVar:

NM_004260.4(RECQL4):c.290G>A (p.Ser97Asn)

Gene: RECQL4 (RecQ like helicase 4; minus strand). Cytogenetic location: 8q24.3.
Variant type: single nucleotide variant.
Coding change: c.290G>A on transcript NM_004260.4 (MANE Select); coding-DNA position 290, G replaced by A.
Protein change: p.Ser97Asn; replaces serine 97 with asparagine.
Molecular consequence: missense variant.
Genome position (GRCh38, 1-based): chr8:144,517,114, C>T on the plus strand (G>A on the coding strand, the complement: RECQL4 is on the minus strand). VCF-style: chr8-144517114-C-T. GRCh37 (hg19) VCF-style: chr8-145742498-C-T.
Other names: short protein forms S97N.
Identifiers: ClinVar variation 952239 (VCV000952239.6), dbSNP rs773114060, ClinGen allele CA4949397.

ClinVar aggregate classification (germline): Uncertain significance. Review status: criteria provided, multiple submitters, no conflicts (2 of 4 stars). 2 submissions from 2 submitters: Uncertain significance (2). Last evaluated 2025-06-10.

Conditions:
Inborn genetic diseases. Identifiers: MedGen C0950123, MeSH D030342.
Baller-Gerold syndrome (BGS). Also called: CRANIOSYNOSTOSIS WITH RADIAL DEFECTS. Identifiers: Orphanet 1225, MedGen C0265308, MONDO:0009039, OMIM 218600.

Allele frequency attached by ClinVar (database versions not stated): gnomAD exomes below 0.00001; TOPMed below 0.00001; ExAC 0.00001.
gnomAD v4.1: 6 of 1,612,360 alleles (0.00037%); highest among the groups gnomAD compares: Non-Finnish European, 0.00051%; no homozygotes.

Submissions (2):

Ambry Genetics
Classification: Uncertain significance for Inborn genetic diseases. Last evaluated: 2025-06-10. Review status: criteria provided, single submitter. Criteria: Ambry Variant Classification Scheme 2023. Collection method: clinical testing. Allele origin: germline.
Comment: The p.S97N variant (also known as c.290G>A), located in coding exon 4 of the RECQL4 gene, results from a G to A substitution at nucleotide position 290. The serine at codon 97 is replaced by asparagine, an amino acid with highly similar properties. This amino acid position is conserved. In addition, this alteration is predicted to be tolerated by in silico analysis. Based on the available evidence, the clinical significance of this variant remains unclear.

Labcorp Genetics (formerly Invitae), Labcorp
Classification: Uncertain significance for Baller-Gerold syndrome. Last evaluated: 2020-10-19. Review status: criteria provided, single submitter. Criteria: Invitae Variant Classification Sherloc (09022015). Collection method: clinical testing. Allele origin: germline.
Comment: In summary, the available evidence is currently insufficient to determine the role of this variant in disease. Therefore, it has been classified as a Variant of Uncertain Significance. Algorithms developed to predict the effect of missense changes on protein structure and function (SIFT, PolyPhen-2, Align-GVGD) all suggest that this variant is likely to be tolerated, but these predictions have not been confirmed by published functional studies and their clinical significance is uncertain. This sequence change replaces serine with asparagine at codon 97 of the RECQL4 protein (p.Ser97Asn). The serine residue is moderately conserved and there is a small physicochemical difference between serine and asparagine. This variant is present in population databases (rs773114060, ExAC 0.006%). This variant has not been reported in the literature in individuals with RECQL4-related conditions.